The following is an entry in ClinVar:

NM_000052.7(ATP7A):c.3781G>T (p.Ala1261Ser)

Gene: ATP7A (ATPase copper transporting alpha; plus strand). Cytogenetic location: Xq21.1.
Variant type: single nucleotide variant.
Coding change: c.3781G>T on transcript NM_000052.7 (MANE Select); coding-DNA position 3781, G replaced by T.
Protein change: p.Ala1261Ser; replaces alanine 1261 with serine.
Molecular consequence: missense variant. On other transcripts: non-coding transcript variant (1).
Genome position (GRCh38, 1-based): chrX:78,040,713, G>T. VCF-style: chrX-78040713-G-T. GRCh37 (hg19) VCF-style: chrX-77296211-G-T.
Other names: c.3547G>T, p.Ala1183Ser (NM_001282224.2); short protein forms A1261S, A1183S.
Identifiers: ClinVar variation 1507135 (VCV001507135.8), dbSNP rs2078041778, ClinGen allele CA413604954.

ClinVar aggregate classification (germline): Uncertain significance (1 of 4 stars; one submission).

Conditions:
Cutis laxa, X-linked (OHS). Also called: EDS IX; Occipital horn syndrome. Identifiers: Orphanet 198, MedGen C0268353, MONDO:0010572, OMIM 304150.
X-linked distal spinal muscular atrophy type 3. Also called: ATP7A-Related Distal Motor Neuropathy; SPINAL MUSCULAR ATROPHY, DISTAL, X-LINKED RECESSIVE; NEURONOPATHY, DISTAL HEREDITARY MOTOR, X-LINKED; NEUROPATHY, DISTAL HEREDITARY MOTOR, X-LINKED. Identifiers: Orphanet 139557, MedGen C1845359, MONDO:0010338, OMIM 300489.
Menkes kinky-hair syndrome (MNK). Also called: Classic Menkes Disease; Copper transport disease; Menkes Disease. Identifiers: Orphanet 565, MedGen C0022716, MONDO:0010651, OMIM 309400.

Submission:

Labcorp Genetics (formerly Invitae), Labcorp
Classification: Uncertain significance for X-linked distal spinal muscular atrophy type 3; Cutis laxa, X-linked; Menkes kinky-hair syndrome. Last evaluated: 2021-05-19. Review status: criteria provided, single submitter. Criteria: Invitae Variant Classification Sherloc (09022015). Collection method: clinical testing. Allele origin: germline.
Comment: This variant has not been reported in the literature in individuals with ATP7A-related conditions. In summary, the available evidence is currently insufficient to determine the role of this variant in disease. Therefore, it has been classified as a Variant of Uncertain Significance. Advanced modeling of protein sequence and biophysical properties (such as structural, functional, and spatial information, amino acid conservation, physicochemical variation, residue mobility, and thermodynamic stability) performed at Invitae indicates that this missense variant is expected to disrupt ATP7A protein function. This variant is not present in population databases (ExAC no frequency). This sequence change replaces alanine with serine at codon 1261 of the ATP7A protein (p.Ala1261Ser). The alanine residue is highly conserved and there is a moderate physicochemical difference between alanine and serine.